The following is an entry in ClinVar:

NM_002843.4(PTPRJ):c.2478A>C (p.Thr826=)

Gene: PTPRJ (protein tyrosine phosphatase receptor type J; plus strand). Cytogenetic location: 11p11.2.
Variant type: single nucleotide variant.
Coding change: c.2478A>C on transcript NM_002843.4 (MANE Select); coding-DNA position 2478, A replaced by C.
Protein change: p.Thr826=; no amino-acid change (threonine 826 retained).
Molecular consequence: synonymous variant.
Genome position (GRCh38, 1-based): chr11:48,142,953, A>C. VCF-style: chr11-48142953-A-C. GRCh37 (hg19) VCF-style: chr11-48164505-A-C.
Identifiers: ClinVar variation 3036019 (VCV003036019.2), dbSNP rs371234967, ClinGen allele CA5982446.

ClinVar aggregate classification (germline): Likely benign (0 of 4 stars; one submission).

Conditions:
PTPRJ-related disorder. Also called: PTPRJ-related condition.

Allele frequency attached by ClinVar (database versions not stated): ExAC 0.00001; TOPMed 0.00002; gnomAD 0.00003; ESP Exome Variant Server 0.00008.
gnomAD v4.1: 63 of 1,613,982 alleles (0.0039%); highest among the groups gnomAD compares: Non-Finnish European, 0.0051%; no homozygotes.

Submission:

PreventionGenetics, part of Exact Sciences
Classification: Likely benign for PTPRJ-related condition. Last evaluated: 2020-06-26. Review status: no assertion criteria provided. Collection method: clinical testing. Allele origin: germline.
Comment: This variant is classified as likely benign based on ACMG/AMP sequence variant interpretation guidelines (Richards et al. 2015 PMID: 25741868, with internal and published modifications).